The following is an entry in ClinVar:

NM_206933.4(USH2A):c.12954C>A (p.Tyr4318Ter)

Gene: USH2A (usherin; minus strand). Cytogenetic location: 1q41.
Variant type: single nucleotide variant.
Coding change: c.12954C>A on transcript NM_206933.4 (MANE Select); coding-DNA position 12954, C replaced by A.
Protein change: p.Tyr4318Ter; replaces tyrosine 4318 with a stop codon.
Molecular consequence: nonsense.
Genome position (GRCh38, 1-based): chr1:215,674,957, G>T on the plus strand (C>A on the coding strand, the complement: USH2A is on the minus strand). VCF-style: chr1-215674957-G-T. GRCh37 (hg19) VCF-style: chr1-215848299-G-T.
Other names: short protein forms Y4318*.
Identifiers: ClinVar variation 438009 (VCV000438009.20), dbSNP rs762159022, ClinGen allele CA344848080.
Genomic context (GRCh38, chr1:215,674,957, plus strand): 5'-ACTCGTGCAGGCTTGGAGTGCATAGCTATAGGTGGAAAAAGGAAGAAGCTCTTCATCAGT[G>T]TAATTGAAAGTCACAGGATCAAAGCTAAAAGGATAGAGCATTTCATTCCTTTGAAGCCTA-3'

ClinVar aggregate classification (germline): Pathogenic. Review status: criteria provided, multiple submitters, no conflicts (2 of 4 stars). 10 submissions from 10 submitters: Pathogenic (8). 2 of the submissions do not count toward it. Last evaluated 2026-01-21.

Conditions:
Usher syndrome. Also called: Usher Syndromes; Usher's syndrome. Identifiers: Orphanet 886, MedGen CN469326, MeSH D052245, MONDO:0019501. Disease mechanism: loss of function.
Retinitis pigmentosa 39 (RP39). Identifiers: Orphanet 791, MedGen C3151138, MONDO:0013436, OMIM 613809.
Usher syndrome type 2A. Also called: RETINAL DISEASE IN USHER SYNDROME TYPE IIA, MODIFIER OF; USHER SYNDROME, TYPE IIA. Identifiers: Orphanet 231178, Orphanet 886, MedGen C1848634, MONDO:0010169, OMIM 276901.
USH2A-related disorder. Also called: USH2A-related condition; USH2A-related disorders. Identifiers: MedGen CN239332.
Retinal dystrophy. Also called: Inherited retinal dystrophy. Identifiers: Orphanet 71862, MedGen C0854723, MeSH D058499, MONDO:0019118, HP:0000556.

gnomAD v4.1: 11 of 1,614,174 alleles (0.00068%); highest among the groups gnomAD compares: Non-Finnish European, 0.00093%; no homozygotes.

Submissions (10):

Labcorp Genetics (formerly Invitae), Labcorp
Classification: Pathogenic. Last evaluated: 2026-01-21. Review status: criteria provided, single submitter. Criteria: Invitae Variant Classification Sherloc (09022015). Collection method: clinical testing. Allele origin: germline.
Comment: This sequence change creates a premature translational stop signal (p.Tyr4318*) in the USH2A gene. It is expected to result in an absent or disrupted protein product. Loss-of-function variants in USH2A are known to be pathogenic (PMID: 10729113, 10909849, 20507924, 25649381). This variant is not present in population databases (gnomAD no frequency). This premature translational stop signal has been observed in individual(s) with Usher syndrome (PMID: 18273898, 20507924, 28041643). ClinVar contains an entry for this variant (Variation ID: 438009). For these reasons, this variant has been classified as Pathogenic.

Natera, Inc.
Classification: Pathogenic for Usher syndrome type 2A. Last evaluated: 2025-03-20. Review status: criteria provided, single submitter. Criteria: Natera Variant Classification Schema (03/2026). Collection method: clinical testing. Allele origin: germline.
Comment: The c.12954C>A variant in USH2A is a nonsense variant predicted to introduce a stop codon at amino acid 4318. This variant is expected to result in nonsense mediated decay, truncation, or a dysfunctional protein product. This variant is rare in the general population with a frequency below the threshold expected for the associated phenotype(s). This variant has been observed in one or more individuals affected with the associated recessive disease, as either homozygous or compound heterozygous with a second variant (PMID: 28041643). Given the available evidence, this variant is classified as Pathogenic.

Fulgent Genetics
Classification: Pathogenic for Usher syndrome type 2A; Retinitis pigmentosa 39. Last evaluated: 2024-04-04. Review status: criteria provided, single submitter. Criteria: ACMG Guidelines, 2015. Collection method: clinical testing. Allele origin: germline.

Genome-Nilou Lab
Classification: Pathogenic for Retinitis pigmentosa 39. Last evaluated: 2023-11-04. Review status: criteria provided, single submitter. Criteria: ACMG Guidelines, 2015. Collection method: clinical testing. Allele origin: germline. Affected: no.

Baylor Genetics
Classification: Pathogenic for Retinitis pigmentosa 39. Last evaluated: 2023-02-05. Review status: criteria provided, single submitter. Criteria: ACMG Guidelines, 2015. Collection method: clinical testing. Allele origin: unknown.

Genetics and Molecular Pathology, SA Pathology
Classification: Pathogenic for Retinitis pigmentosa 39. Last evaluated: 2022-05-03. Review status: criteria provided, single submitter. Criteria: ACMG Guidelines, 2015. Collection method: clinical testing. Allele origin: germline. Affected: yes.

Blueprint Genetics
Classification: Pathogenic for USH2A-related disorders. Last evaluated: 2021-07-19. Review status: criteria provided, single submitter. Criteria: ACMG Guidelines, 2015. Collection method: clinical testing. Allele origin: germline. Affected: yes. Observed: 4 variant alleles.

Institute of Human Genetics, Univ. Regensburg, Univ. Regensburg
Classification: Pathogenic for Retinal dystrophy. Last evaluated: 2011-01-01. Review status: criteria provided, single submitter. Criteria: ACMG Guidelines, 2015. Collection method: clinical testing. Allele origin: germline. Affected: yes.

NIHR Bioresource Rare Diseases, University of Cambridge
Classification: Pathogenic for Usher syndrome. Last evaluated: 2015-01-01. Review status: no assertion criteria provided. Collection method: research. Allele origin: unknown. Affected: yes. Observed: 1 variant allele. Not counted in ClinVar's aggregate classification.

Genomics England Pilot Project, Genomics England
Classification: Pathogenic for Retinitis pigmentosa 39. Review status: no assertion criteria provided. Criteria: ACGS Guidelines, 2016. Collection method: clinical testing. Allele origin: germline. Affected: yes. Not counted in ClinVar's aggregate classification.

Literature cited by the submitters: PubMed 10729113 (cited by Labcorp Genetics (formerly Invitae), Labcorp); PubMed 10909849 (cited by Labcorp Genetics (formerly Invitae), Labcorp); PubMed 20507924 (cited by Labcorp Genetics (formerly Invitae), Labcorp); PubMed 25649381 (cited by Labcorp Genetics (formerly Invitae), Labcorp); PubMed 18273898 (cited by 3 submitters); PubMed 28041643 (cited by 3 submitters); PubMed 25525159 (cited by Institute of Human Genetics, Univ. Regensburg, Univ. Regensburg); PubMed 31266775 (cited by Institute of Human Genetics, Univ. Regensburg, Univ. Regensburg); PubMed 34758253 (cited by Institute of Human Genetics, Univ. Regensburg, Univ. Regensburg); PubMed 36460718 (cited by Institute of Human Genetics, Univ. Regensburg, Univ. Regensburg).